The following is an entry in ClinVar:

ClinVar aggregate classification (germline): Uncertain significance (1 of 4 stars; one submission).

Allele frequency attached by ClinVar (database versions not stated): gnomAD 0.00001; gnomAD exomes 0.00001; TOPMed 0.00002.
gnomAD v4.1: 13 of 1,613,310 alleles (0.00081%); highest among the groups gnomAD compares: African/African-American, 0.017%; no homozygotes.

Submission:

Labcorp Genetics (formerly Invitae), Labcorp
Classification: Uncertain significance. Last evaluated: 2025-03-15. Review status: criteria provided, single submitter. Criteria: Invitae Variant Classification Sherloc (09022015). Collection method: clinical testing. Allele origin: germline.
Comment: This sequence change replaces histidine, which is basic and polar, with tyrosine, which is neutral and polar, at codon 3979 of the HMCN1 protein (p.His3979Tyr). This variant is present in population databases (no rsID available, gnomAD 0.02%). This variant has not been reported in the literature in individuals affected with HMCN1-related conditions. ClinVar contains an entry for this variant (Variation ID: 1441378). An algorithm developed to predict the effect of missense changes on protein structure and function (PolyPhen-2) suggests that this variant is likely to be disruptive. In summary, the available evidence is currently insufficient to determine the role of this variant in disease. Therefore, it has been classified as a Variant of Uncertain Significance.

NM_031935.3(HMCN1):c.11935C>T (p.His3979Tyr)

Gene: HMCN1 (hemicentin 1; plus strand). Cytogenetic location: 1q31.1.
Variant type: single nucleotide variant.
Coding change: c.11935C>T on transcript NM_031935.3 (MANE Select); coding-DNA position 11935, C replaced by T.
Protein change: p.His3979Tyr; replaces histidine 3979 with tyrosine.
Molecular consequence: missense variant.
Genome position (GRCh38, 1-based): chr1:186,119,277, C>T. VCF-style: chr1-186119277-C-T. GRCh37 (hg19) VCF-style: chr1-186088409-C-T.
Other names: short protein forms H3979Y.
Identifiers: ClinVar variation 1441378 (VCV001441378.6), dbSNP rs973079674, ClinGen allele CA33508844.